The following is an entry in ClinVar:

NM_000038.6(APC):c.8512T>C (p.Tyr2838His)

Gene: APC (APC regulator of Wnt signaling pathway; plus strand). Cytogenetic location: 5q22.2.
Variant type: single nucleotide variant.
Coding change: c.8512T>C on transcript NM_000038.6 (MANE Select); coding-DNA position 8512, T replaced by C.
Protein change: p.Tyr2838His; replaces tyrosine 2838 with histidine.
Molecular consequence: missense variant.
Genome position (GRCh38, 1-based): chr5:112,844,106, T>C. VCF-style: chr5-112844106-T-C. GRCh37 (hg19) VCF-style: chr5-112179803-T-C.
Other names: c.8512T>C, p.Tyr2838His (NM_001127510.3, NM_001354895.2); c.8458T>C, p.Tyr2820His (NM_001127511.3); c.8566T>C, p.Tyr2856His (NM_001354896.2); c.8542T>C, p.Tyr2848His (NM_001354897.2); c.8437T>C, p.Tyr2813His (NM_001354898.2); c.8428T>C, p.Tyr2810His (NM_001354899.2); c.8389T>C, p.Tyr2797His (NM_001354900.2); c.8335T>C, p.Tyr2779His (NM_001354901.2); and 5 more; short protein forms Y2678H, Y2813H, Y2856H, Y2555H, Y2712H, Y2737H, Y2747H, Y2848H.
Identifiers: ClinVar variation 952647 (VCV000952647.11), dbSNP rs1766766790, ClinGen allele CA16039794.
Genomic context (GRCh38, chr5:112,844,106, plus strand): 5'-TCCAAAACTGACAGCACAGAATCCAGTGGAACCCAAAGTCCTAAGCGCCATTCTGGGTCT[T>C]ACCTTGTGACATCTGTTTAAAAGAGAGGAAGAATGAAACTAAGAAAATTCTATGTTAATT-3'
Protein context (NP_000029.2, residues 2828-2843): TQSPKRHSGS[Tyr2838His]LVTSV

ClinVar aggregate classification (germline): Uncertain significance (1 of 4 stars; one submission).

Conditions:
Familial adenomatous polyposis 1 (FAP1). Also called: POLYPOSIS, ADENOMATOUS INTESTINAL; FAMILIAL ADENOMATOUS POLYPOSIS 1, ATTENUATED. Identifiers: MedGen C2713442, MONDO:0021056, OMIM 175100. Disease mechanism: loss of function.

Submission:

Labcorp Genetics (formerly Invitae), Labcorp
Classification: Uncertain significance for Familial adenomatous polyposis 1. Last evaluated: 2022-02-19. Review status: criteria provided, single submitter. Criteria: Invitae Variant Classification Sherloc (09022015). Collection method: clinical testing. Allele origin: germline.
Comment: This variant has not been reported in the literature in individuals affected with APC-related conditions. This variant is not present in population databases (gnomAD no frequency). This sequence change replaces tyrosine, which is neutral and polar, with histidine, which is basic and polar, at codon 2838 of the APC protein (p.Tyr2838His). ClinVar contains an entry for this variant (Variation ID: 952647). Algorithms developed to predict the effect of missense changes on protein structure and function are either unavailable or do not agree on the potential impact of this missense change (SIFT: "Deleterious"; PolyPhen-2: "Probably Damaging"; Align-GVGD: "Class C15"). In summary, the available evidence is currently insufficient to determine the role of this variant in disease. Therefore, it has been classified as a Variant of Uncertain Significance.